The following is an entry in ClinVar:

NM_012213.3(MLYCD):c.193G>T (p.Glu65Ter)

Gene: MLYCD (malonyl-CoA decarboxylase; plus strand). Cytogenetic location: 16q23.3.
Variant type: single nucleotide variant.
Coding change: c.193G>T on transcript NM_012213.3 (MANE Select); coding-DNA position 193, G replaced by T.
Protein change: p.Glu65Ter; replaces glutamic acid 65 with a stop codon.
Molecular consequence: nonsense.
Genome position (GRCh38, 1-based): chr16:83,899,337, G>T. VCF-style: chr16-83899337-G-T. GRCh37 (hg19) VCF-style: chr16-83932942-G-T.
Other names: short protein forms E65*.
Identifiers: ClinVar variation 2987390 (VCV002987390.4), dbSNP rs755172155, ClinGen allele CA396917831.

ClinVar aggregate classification (germline): Pathogenic (1 of 4 stars; one submission).

Conditions:
Deficiency of malonyl-CoA decarboxylase. Also called: Malonic aciduria; MCD deficiency. Identifiers: Orphanet 943, MedGen C0342793, MONDO:0009556, OMIM 248360.

Allele frequency attached by ClinVar (database versions not stated): TOPMed 0.00001; 1000 Genomes Project 30x 0.00016.
gnomAD v4.1: 4 of 1,512,820 alleles (0.00026%); highest among the groups gnomAD compares: East Asian, 0.0027%; no homozygotes.

Submission:

Labcorp Genetics (formerly Invitae), Labcorp
Classification: Pathogenic for Deficiency of malonyl-CoA decarboxylase. Last evaluated: 2023-06-27. Review status: criteria provided, single submitter. Criteria: Invitae Variant Classification Sherloc (09022015). Collection method: clinical testing. Allele origin: germline.
Comment: This sequence change creates a premature translational stop signal (p.Glu65*) in the MLYCD gene. It is expected to result in an absent or disrupted protein product. Loss-of-function variants in MLYCD are known to be pathogenic (PMID: 12955715, 17186413). For these reasons, this variant has been classified as Pathogenic. This variant has not been reported in the literature in individuals affected with MLYCD-related conditions. This variant is not present in population databases (gnomAD no frequency).

Literature cited by the submitters: PubMed 12955715; PubMed 17186413.